The following is an entry in ClinVar:

ClinVar aggregate classification (germline): Conflicting classifications of pathogenicity. Review status: criteria provided, conflicting classifications (1 of 4 stars). 4 submissions from 4 submitters: Uncertain significance (3); Likely benign (1). Last evaluated 2026-04-02.

Conditions:
Hereditary cancer-predisposing syndrome. Also called: Tumor predisposition; Hereditary Cancer Syndrome; Neoplastic Syndromes, Hereditary; Hereditary neoplastic syndrome. Identifiers: Orphanet 140162, MedGen C0027672, MeSH D009386, MONDO:0015356.
Fanconi anemia complementation group O. Also called: RAD51C-Related Fanconi Anemia. Identifiers: Orphanet 84, MedGen C3150653, MONDO:0013248, OMIM 613390.

Allele frequency attached by ClinVar (database versions not stated): gnomAD exomes below 0.00001.
gnomAD v4.1: 1 of 1,613,894 alleles (0.000062%); highest among the groups gnomAD compares: Admixed American, 0.0017%; no homozygotes.

Submissions (4):

Ambry Genetics
Classification: Likely benign for Hereditary cancer-predisposing syndrome. Last evaluated: 2026-04-02. Review status: criteria provided, single submitter. Criteria: Ambry Variant Classification Scheme 2023. Collection method: clinical testing. Allele origin: germline.

Labcorp Genetics (formerly Invitae), Labcorp
Classification: Uncertain significance for Fanconi anemia complementation group O. Last evaluated: 2026-01-05. Review status: criteria provided, single submitter. Criteria: Invitae Variant Classification Sherloc (09022015). Collection method: clinical testing. Allele origin: germline.
Comment: This sequence change replaces alanine, which is neutral and non-polar, with threonine, which is neutral and polar, at codon 57 of the RAD51C protein (p.Ala57Thr). This variant is not present in population databases (gnomAD no frequency). This variant has not been reported in the literature in individuals affected with RAD51C-related conditions. ClinVar contains an entry for this variant (Variation ID: 630787). Invitae Evidence Modeling of protein sequence and biophysical properties (such as structural, functional, and spatial information, amino acid conservation, physicochemical variation, residue mobility, and thermodynamic stability) indicates that this missense variant is not expected to disrupt RAD51C protein function with a negative predictive value of 80%. In summary, the available evidence is currently insufficient to determine the role of this variant in disease. Therefore, it has been classified as a Variant of Uncertain Significance.

Quest Diagnostics Nichols Institute San Juan Capistrano
Classification: Uncertain significance. Last evaluated: 2025-07-08. Review status: criteria provided, single submitter. Criteria: Quest Diagnostics criteria. Collection method: clinical testing. Allele origin: unknown.
Comment: The RAD51C c.169G>A (p.Ala57Thr) variant has not been reported in individuals with RAD51C-related conditions in the published literature. It also has not been reported in large, multi-ethnic general populations (Genome Aggregation Database). Analysis of this variant using bioinformatics tools for the prediction of the effect of amino acid changes on protein structure and function yielded predictions that this variant is damaging. Based on the available information, we are unable to determine the clinical significance of this variant.

Color Diagnostics, LLC DBA Color Health
Classification: Uncertain significance for Hereditary cancer-predisposing syndrome. Last evaluated: 2024-03-06. Review status: criteria provided, single submitter. Criteria: ACMG Guidelines, 2015. Collection method: clinical testing. Allele origin: germline.
Comment: This missense variant replaces alanine with threonine at codon 57 of the RAD51C protein. Computational prediction suggests that this variant may not impact protein structure and function (internally defined REVEL score threshold <= 0.5, PMID: 27666373). To our knowledge, functional studies have not been reported for this variant. This variant has not been reported in individuals affected with hereditary cancer in the literature. This variant has not been identified in the general population by the Genome Aggregation Database (gnomAD). The available evidence is insufficient to determine the role of this variant in disease conclusively. Therefore, this variant is classified as a Variant of Uncertain Significance.

Literature cited by the submitters: PubMed 39299233 (cited by Ambry Genetics).

NM_058216.3(RAD51C):c.169G>A (p.Ala57Thr)

Gene: RAD51C (RAD51 paralog C; plus strand). Cytogenetic location: 17q22.
Variant type: single nucleotide variant.
Coding change: c.169G>A on transcript NM_058216.3 (MANE Select); coding-DNA position 169, G replaced by A.
Protein change: p.Ala57Thr; replaces alanine 57 with threonine.
Molecular consequence: missense variant. On other transcripts: non-coding transcript variant (2).
Genome position (GRCh38, 1-based): chr17:58,694,954, G>A. VCF-style: chr17-58694954-G-A. GRCh37 (hg19) VCF-style: chr17-56772315-G-A.
Other names: c.169G>A, p.Ala57Thr (NM_002876.4); c.169G>A (NM_058216.1); short protein forms A57T.
Identifiers: ClinVar variation 630787 (VCV000630787.15), dbSNP rs1567785745, ClinGen allele CA400339683.